The following is an entry in ClinVar:

ClinVar aggregate classification (germline): Uncertain significance (1 of 4 stars; one submission).

Conditions:
Early-infantile DEE. Also called: Early infantile epileptic encephalopathy; Ohtahara syndrome; Early infantile epileptic encephalopathy with suppression bursts. Identifiers: Orphanet 1934, MedGen C0393706, MONDO:0800491.

Submission:

Labcorp Genetics (formerly Invitae), Labcorp
Classification: Uncertain significance for Early-infantile DEE. Last evaluated: 2019-06-04. Review status: criteria provided, single submitter. Criteria: Invitae Variant Classification Sherloc (09022015). Collection method: clinical testing. Allele origin: germline.
Comment: In summary, the available evidence is currently insufficient to determine the role of this variant in disease. Therefore, it has been classified as a Variant of Uncertain Significance. Algorithms developed to predict the effect of missense changes on protein structure and function are either unavailable or do not agree on the potential impact of this missense change (SIFT: "Deleterious"; PolyPhen-2: "Probably Damaging"; Align-GVGD: "Class C0"). This variant has not been reported in the literature in individuals with SCN8A-related conditions. This variant is not present in population databases (ExAC no frequency). This sequence change replaces threonine with alanine at codon 141 of the SCN8A protein (p.Thr141Ala). The threonine residue is highly conserved and there is a small physicochemical difference between threonine and alanine.

NM_001330260.2(SCN8A):c.421A>G (p.Thr141Ala)

Gene: SCN8A (sodium voltage-gated channel alpha subunit 8; plus strand). Cytogenetic location: 12q13.13.
Variant type: single nucleotide variant.
Coding change: c.421A>G on transcript NM_001330260.2 (MANE Select); coding-DNA position 421, A replaced by G.
Protein change: p.Thr141Ala; replaces threonine 141 with alanine.
Molecular consequence: missense variant.
Genome position (GRCh38, 1-based): chr12:51,686,393, A>G. VCF-style: chr12-51686393-A-G. GRCh37 (hg19) VCF-style: chr12-52080177-A-G.
Other names: c.421A>G, p.Thr141Ala (NM_001177984.3, NM_001369788.1, NM_014191.4); short protein forms T141A.
Identifiers: ClinVar variation 941737 (VCV000941737.10), dbSNP rs1941420783, ClinGen allele CA385221635.